The following is an entry in ClinVar:

ClinVar aggregate classification (germline): Conflicting classifications of pathogenicity. Review status: criteria provided, conflicting classifications (1 of 4 stars). 3 submissions from 3 submitters: Uncertain significance (2); Likely benign (1). Last evaluated 2025-05-13.

Conditions:
Hereditary cancer-predisposing syndrome. Also called: Neoplastic Syndromes, Hereditary; Tumor predisposition; Hereditary Cancer Syndrome; Hereditary neoplastic syndrome. Identifiers: Orphanet 140162, MedGen C0027672, MeSH D009386, MONDO:0015356.

Allele frequency attached by ClinVar (database versions not stated): TOPMed below 0.00001; gnomAD 0.00001.
gnomAD v4.1: 1 of 1,613,872 alleles (0.000062%); highest among the groups gnomAD compares: Non-Finnish European, 0.000085%; no homozygotes.

Submissions (3):

Color Diagnostics, LLC DBA Color Health
Classification: Uncertain significance for Hereditary cancer-predisposing syndrome. Last evaluated: 2025-05-13. Review status: criteria provided, single submitter. Criteria: ACMG Guidelines, 2015. Collection method: clinical testing. Allele origin: germline.
Comment: This missense variant replaces glutamic acid with lysine at codon 1143 of the BRCA2 protein. Computational prediction suggests that this variant may not impact protein structure and function. To our knowledge, functional studies have not been reported for this variant. This variant has not been reported in individuals affected with BRCA2-related disorders in the literature. This variant has not been identified in the general population by the Genome Aggregation Database (gnomAD). The available evidence is insufficient to determine the role of this variant in disease conclusively. Therefore, this variant is classified as a Variant of Uncertain Significance.

University of Washington Department of Laboratory Medicine, University of Washington
Classification: Likely benign for Hereditary cancer-predisposing syndrome. Last evaluated: 2023-03-23. Review status: criteria provided, single submitter. Criteria: Dines et al. (Genet Med. 2020). Collection method: curation. Allele origin: germline.
Comment: Missense variant in a coldspot region where missense variants are very unlikely to be pathogenic (PMID:31911673).

BRCA2 exon 11 coldspot. Reclassification based on statistical prior probability.

Ambry Genetics
Classification: Uncertain significance for Hereditary cancer-predisposing syndrome. Last evaluated: 2022-11-30. Review status: criteria provided, single submitter. Criteria: Ambry Variant Classification Scheme 2023. Collection method: clinical testing. Allele origin: germline.
Comment: The p.E1143K variant (also known as c.3427G>A), located in coding exon 10 of the BRCA2 gene, results from a G to A substitution at nucleotide position 3427. The glutamic acid at codon 1143 is replaced by lysine, an amino acid with similar properties. This amino acid position is not well conserved in available vertebrate species. In addition, this alteration is predicted to be tolerated by in silico analysis. Since supporting evidence is limited at this time, the clinical significance of this alteration remains unclear.

NM_000059.4(BRCA2):c.3427G>A (p.Glu1143Lys)

Gene: BRCA2 (BRCA2 DNA repair associated; plus strand). Cytogenetic location: 13q13.1.
Variant type: single nucleotide variant.
Coding change: c.3427G>A on transcript NM_000059.4 (MANE Select); coding-DNA position 3427, G replaced by A.
Protein change: p.Glu1143Lys; replaces glutamic acid 1143 with lysine.
Molecular consequence: missense variant.
Genome position (GRCh38, 1-based): chr13:32,337,782, G>A. VCF-style: chr13-32337782-G-A. GRCh37 (hg19) VCF-style: chr13-32911919-G-A.
Other names: short protein forms E1143K.
Identifiers: ClinVar variation 919083 (VCV000919083.9), dbSNP rs1316176181, ClinGen allele CA387776546.